The following is an entry in ClinVar:

ClinVar aggregate classification (germline): Uncertain significance. Review status: criteria provided, multiple submitters, no conflicts (2 of 4 stars). 2 submissions from 2 submitters: Uncertain significance (2). Last evaluated 2025-01-21.

Conditions:
Cardiovascular phenotype. Identifiers: MedGen CN230736.
Hereditary cancer-predisposing syndrome. Also called: Hereditary neoplastic syndrome; Neoplastic Syndromes, Hereditary; Tumor predisposition; Hereditary Cancer Syndrome. Identifiers: Orphanet 140162, MedGen C0027672, MeSH D009386, MONDO:0015356.
Neurofibromatosis, type 1 (NF1). Also called: VON RECKLINGHAUSEN DISEASE; Peripheral type neurofibromatosis; NEUROFIBROMATOSIS, TYPE I, SOMATIC; Neurofibromatosis, type I. Identifiers: Orphanet 636, MedGen C0027831, MONDO:0018975, OMIM 162200. Disease mechanism: loss of function.

Submissions (2):

Ambry Genetics
Classification: Uncertain significance for Cardiovascular phenotype; Hereditary cancer-predisposing syndrome. Last evaluated: 2025-01-21. Review status: criteria provided, single submitter. Criteria: Ambry Variant Classification Scheme 2023. Collection method: clinical testing. Allele origin: germline.
Comment: The p.Y1524H variant (also known as c.4570T>C), located in coding exon 34 of the NF1 gene, results from a T to C substitution at nucleotide position 4570. The tyrosine at codon 1524 is replaced by histidine, an amino acid with similar properties. This amino acid position is highly conserved in available vertebrate species. In addition, the in silico prediction for this alteration is inconclusive. Based on the available evidence, the clinical significance of this variant remains unclear.

Labcorp Genetics (formerly Invitae), Labcorp
Classification: Uncertain significance for Neurofibromatosis, type 1. Last evaluated: 2024-08-04. Review status: criteria provided, single submitter. Criteria: Invitae Variant Classification Sherloc (09022015). Collection method: clinical testing. Allele origin: germline.
Comment: This sequence change replaces tyrosine, which is neutral and polar, with histidine, which is basic and polar, at codon 1524 of the NF1 protein (p.Tyr1524His). This variant is not present in population databases (gnomAD no frequency). This variant has not been reported in the literature in individuals affected with NF1-related conditions. ClinVar contains an entry for this variant (Variation ID: 484101). Advanced modeling of protein sequence and biophysical properties (such as structural, functional, and spatial information, amino acid conservation, physicochemical variation, residue mobility, and thermodynamic stability) has been performed at Invitae for this missense variant, however the output from this modeling did not meet the statistical confidence thresholds required to predict the impact of this variant on NF1 protein function. In summary, the available evidence is currently insufficient to determine the role of this variant in disease. Therefore, it has been classified as a Variant of Uncertain Significance.

NM_001042492.3(NF1):c.4633T>C (p.Tyr1545His)

Gene: NF1 (neurofibromin 1; plus strand). Cytogenetic location: 17q11.2.
Variant type: single nucleotide variant.
Coding change: c.4633T>C on transcript NM_001042492.3 (MANE Select); coding-DNA position 4633, T replaced by C.
Protein change: p.Tyr1545His; replaces tyrosine 1545 with histidine.
Molecular consequence: missense variant.
Genome position (GRCh38, 1-based): chr17:31,261,766, T>C. VCF-style: chr17-31261766-T-C. GRCh37 (hg19) VCF-style: chr17-29588784-T-C.
Other names: c.4570T>C, p.Tyr1524His (NM_000267.4); short protein forms Y1545H, Y1524H.
Identifiers: ClinVar variation 484101 (VCV000484101.9), dbSNP rs1555619019, ClinGen allele CA399000293.